The following is an entry in ClinVar:

NM_001164508.2(NEB):c.24448_24450dup (p.Met8150_Glu8151insMet)

Genes: NEB (nebulin; minus strand), RIF1 (replication timing regulatory factor 1; plus strand). Cytogenetic location: 2q23.3.
Variant type: Duplication.
Coding change: c.24448_24450dup on transcript NM_001164508.2 (MANE Select); coding-DNA positions 24448 to 24450, 3 bases duplicated (ATG; older notation c.24448_24450dupATG).
Protein change: p.Met8150_Glu8151insMet.
Molecular consequence: inframe insertion.
Genome position (GRCh38, 1-based): chr2:151,496,312-151,496,314, CAT duplicated on the plus strand (ATG on the coding strand, the reverse complement: NEB is on the minus strand); duplicating any 3 consecutive bases within chr2:151,496,312-151,496,315 gives the same sequence; the c. name uses the placement nearest the transcript's 3' end. VCF-style (leftmost placement, unchanged base first): chr2-151496311-C-CCAT. GRCh37 (hg19) VCF-style: chr2-152352825-C-CCAT.
Other names: c.24448_24450dup, p.Met8150_Glu8151insMet (NM_001164507.2); c.24553_24555dup, p.Met8185_Glu8186insMet (NM_001271208.2); c.18880_18882dup, p.Met6294_Glu6295insMet (NM_004543.5).
Identifiers: ClinVar variation 5004685 (VCV005004685.1).

ClinVar aggregate classification (germline): Uncertain significance (1 of 4 stars; one submission).

Conditions:
Nemaline myopathy 2 (NEM2). Also called: Nemaline myopathy 2, autosomal recessive. Identifiers: MedGen C1850569, MONDO:0009725, OMIM 256030.

Submission:

Myriad Genetics, Inc.
Classification: Uncertain significance for Nemaline myopathy 2. Last evaluated: 2026-05-19. Review status: criteria provided, single submitter. Criteria: Myriad Autosomal Dominant, Autosomal Recessive and X-Linked Classification Criteria (2023). Collection method: clinical testing. Allele origin: unknown.
Comment: NM_001271208.1(NEB):c.24553_24555dupATG(M8185dup) is an in-frame insertion classified as a variant of uncertain significance in the context of NEB-related nemaline myopathy. M8185dup has not been observed in cases with relevant disease. Relevant functional assessments of this variant are not available in the literature. M8185dup has not been observed in referenced population frequency databases. In summary, there is insufficient evidence to classify NM_001271208.1(NEB):c.24553_24555dupATG(M8185dup) as pathogenic or benign. Please note: this variant was assessed in the context of healthy population screening.